The following is an entry in ClinVar:

NM_000390.4(CHM):c.386del (p.Asn129fs)

Genes: CHM (CHM Rab escort protein; minus strand), LOC129391306 (MPRA-validated peak7401 silencer; plus strand). Cytogenetic location: Xq21.2.
Variant type: Deletion.
Coding change: c.386del on transcript NM_000390.4 (MANE Select); coding-DNA position 386, one base deleted (A; older notation c.386delA).
Protein change: p.Asn129fs; shifts the reading frame from asparagine 129.
Molecular consequence: frameshift variant. On other transcripts: 5 prime UTR variant (4).
Genome position (GRCh38, 1-based): chrX:85,963,981, T deleted on the plus strand (A on the coding strand, the reverse complement: CHM is on the minus strand); the first of 3 consecutive T bases (chrX:85,963,981-85,963,983); deleting any one gives the same sequence. VCF-style (leftmost placement, unchanged base first): chrX-85963980-GT-G. GRCh37 (hg19) VCF-style: chrX-85218985-GT-G.
Other names: c.-59del (NM_001320959.1, NM_001362517.1, NM_001362518.2 and 1 more transcripts); short protein forms N129fs.
Identifiers: ClinVar variation 2444287 (VCV002444287.1), dbSNP rs2520273473, ClinGen allele CA2580102040.

ClinVar aggregate classification (germline): Likely pathogenic (1 of 4 stars; one submission).

Conditions:
Choroideremia. Also called: Chorioretinal scalloped atrophy. Identifiers: Orphanet 180, MedGen C0008525, MONDO:0010557, OMIM 303100, HP:0001139.

Submission:

3billion
Classification: Likely pathogenic for Choroideremia. Last evaluated: 2023-02-23. Review status: criteria provided, single submitter. Criteria: ACMG Guidelines, 2015. Collection method: clinical testing. Allele origin: unknown. Affected: yes.
Comment: The variant is not observed in the gnomAD v2.1.1 dataset. This variant was predicted to result in a loss or disruption of normal protein function through nonsense-mediated decay (NMD) or protein truncation. Multiple pathogenic variants are reported downstream of the variant. Therefore, this variant is classified as Likely pathogenic according to the recommendation of ACMG/AMP guideline.